The following is an entry in ClinVar:

ClinVar aggregate classification (germline): Conflicting classifications of pathogenicity. Review status: criteria provided, conflicting classifications (1 of 4 stars). 5 submissions from 5 submitters: Uncertain significance (4); Likely benign (1). Last evaluated 2025-07-09.

Conditions:
Autosomal recessive limb-girdle muscular dystrophy type 2J (LGMDR10). Also called: Limb-girdle muscular dystrophy, type 2J; MUSCULAR DYSTROPHY, LIMB-GIRDLE, AUTOSOMAL RECESSIVE 10. Identifiers: Orphanet 140922, MedGen C1837342, MONDO:0012127, OMIM 608807.
Dilated cardiomyopathy 1G (CMD1G). Identifiers: Orphanet 154, MedGen C1858763, MONDO:0011400, OMIM 604145.
TTN-related disorder. Also called: TTN-related condition; TTN-related disease; TTN-related disorders.

Allele frequency attached by ClinVar (database versions not stated): gnomAD exomes 0.00001 and 0.00003; ExAC 0.00003; gnomAD 0.00004; TOPMed 0.00005.
gnomAD v4.1: 26 of 1,613,632 alleles (0.0016%); highest among the groups gnomAD compares: Admixed American, 0.033%; no homozygotes.

Submissions (5):

PreventionGenetics, part of Exact Sciences
Classification: Uncertain significance for TTN-related condition. Last evaluated: 2025-07-09. Review status: criteria provided, single submitter. Criteria: ACMG Guidelines, 2015. Collection method: clinical testing. Allele origin: germline.
Comment: The TTN c.100384G>A variant is predicted to result in the amino acid substitution p.Glu33462Lys. To our knowledge, this variant has not been reported in the literature. This variant is reported in 0.020% of alleles in individuals of Latino descent in gnomAD. At this time, the clinical significance of this variant is uncertain due to the absence of conclusive functional and genetic evidence.

GeneDx
Classification: Likely benign. Last evaluated: 2021-05-21. Review status: criteria provided, single submitter. Criteria: GeneDx Variant Classification Process June 2021. Collection method: clinical testing. Allele origin: germline. Affected: yes.

Revvity Omics, Revvity
Classification: Uncertain significance. Last evaluated: 2019-09-18. Review status: criteria provided, single submitter. Criteria: ACMG Guidelines, 2015. Collection method: clinical testing. Allele origin: germline.

Labcorp Genetics (formerly Invitae), Labcorp
Classification: Uncertain significance for Dilated cardiomyopathy 1G; Autosomal recessive limb-girdle muscular dystrophy type 2J. Last evaluated: 2017-04-18. Review status: criteria provided, single submitter. Criteria: Invitae Variant Classification Sherloc (09022015). Collection method: clinical testing. Allele origin: germline.

Eurofins Ntd Llc (ga)
Classification: Uncertain significance. Last evaluated: 2017-04-17. Review status: criteria provided, single submitter. Criteria: EGL Classification Definitions 2015. Collection method: clinical testing. Allele origin: germline. Observed: 2 variant alleles, 2 heterozygotes.

NM_001267550.2(TTN):c.100384G>A (p.Glu33462Lys)

Genes: TTN (titin; minus strand), TTN-AS1 (TTN antisense RNA 1; plus strand). Cytogenetic location: 2q31.2.
Variant type: single nucleotide variant.
Coding change: c.100384G>A on transcript NM_001267550.2 (MANE Select); coding-DNA position 100384, G replaced by A.
Protein change: p.Glu33462Lys; replaces glutamic acid 33462 with lysine.
Molecular consequence: missense variant.
Genome position (GRCh38, 1-based): chr2:178,536,363, C>T on the plus strand (G>A on the coding strand, the complement: TTN is on the minus strand). VCF-style: chr2-178536363-C-T. GRCh37 (hg19) VCF-style: chr2-179401090-C-T.
Other names: c.95461G>A, p.Glu31821Lys (NM_001256850.1); c.73189G>A, p.Glu24397Lys (NM_003319.4); c.92680G>A, p.Glu30894Lys (NM_133378.4); c.73564G>A, p.Glu24522Lys (NM_133432.3); c.73765G>A, p.Glu24589Lys (NM_133437.4); short protein forms E33462K, E30894K, E24397K, E31821K, E24522K, E24589K.
Identifiers: ClinVar variation 466680 (VCV000466680.14), dbSNP rs748104690, ClinGen allele CA1986039.